The following is an entry in ClinVar:

NM_007294.4(BRCA1):c.418dup (p.Ser140fs)

Gene: BRCA1 (BRCA1 DNA repair associated; minus strand). Cytogenetic location: 17q21.31.
Variant type: Duplication.
Coding change: c.418dup on transcript NM_007294.4 (MANE Select); coding-DNA position 418, one base duplicated (A; older notation c.418dupA).
Protein change: p.Ser140fs; shifts the reading frame from serine 140.
Molecular consequence: frameshift variant. On other transcripts: non-coding transcript variant (1).
Genome position (GRCh38, 1-based): chr17:43,104,145, T duplicated on the plus strand (A on the coding strand, the reverse complement: BRCA1 is on the minus strand). VCF-style (leftmost placement, unchanged base first): chr17-43104144-C-CT. GRCh37 (hg19) VCF-style: chr17-41256161-C-CT.
Other names: 536insA; c.418dup, p.Ser140Lysfs (NM_001407626.1, NM_001407627.1, NM_001407628.1 and 163 more transcripts); c.409dup, p.Ser137Lysfs (NM_001407646.1, NM_001407647.1, NM_001408408.1); c.340dup, p.Ser114Lysfs (NM_001407653.1, NM_001407654.1, NM_001407655.1 and 21 more transcripts); c.277dup, p.Ser93Lysfs (NM_001407692.1, NM_001407694.1, NM_001407695.1 and 98 more transcripts); c.208dup, p.Ser70Lysfs (NM_001407853.1, NM_001407879.1, NM_001407881.1 and 58 more transcripts); c.37dup, p.Ser13Lysfs (NM_001407959.1, NM_001407960.1, NM_001407962.1 and 4 more transcripts); c.286dup, p.Ser96Lysfs (NM_001408451.1); and 2 more; short protein forms S140fs, S93fs.
Identifiers: ClinVar variation 266455 (VCV000266455.6), dbSNP rs886040212, ClinGen allele CA10590009.

ClinVar aggregate classification (germline): Pathogenic. Review status: reviewed by expert panel (3 of 4 stars). 2 submissions from 2 submitters: Pathogenic (1). 1 of the submissions does not count toward it. Last evaluated 2016-10-18.

Conditions:
Breast-ovarian cancer, familial, susceptibility to, 1 (BROVCA1). Also called: BRCA1 Hereditary Breast and Ovarian Cancer; OVARIAN CANCER, SUSCEPTIBILITY TO. Identifiers: Orphanet 145, MedGen C2676676, MONDO:0011450, OMIM 604370. Disease mechanism: loss of function.

Submissions (2):

Evidence-based Network for the Interpretation of Germline Mutant Alleles (ENIGMA)
Classification: Pathogenic for Breast-ovarian cancer, familial, susceptibility to, 1. Last evaluated: 2016-10-18. Review status: reviewed by expert panel. Criteria: ENIGMA BRCA1/2 Classification Criteria (2015). Collection method: curation. Allele origin: germline.
Comment: Variant allele predicted to encode a truncated non-functional protein.

Consortium of Investigators of Modifiers of BRCA1/2 (CIMBA), c/o University of Cambridge
Classification: Pathogenic for Breast-ovarian cancer, familial, susceptibility to, 1. Last evaluated: 2015-10-02. Review status: criteria provided, single submitter. Criteria: CIMBA Mutation Classification guidelines May 2016. Collection method: clinical testing. Allele origin: germline. Not counted in ClinVar's aggregate classification.